The following is an entry in ClinVar:

NM_001148.6(ANK2):c.11800del (p.Asp3934fs)

Gene: ANK2 (ankyrin 2; plus strand). Cytogenetic location: 4q26.
Variant type: Deletion.
Coding change: c.11800del on transcript NM_001148.6 (MANE Select); coding-DNA position 11800, one base deleted (G; older notation c.11800delG).
Protein change: p.Asp3934fs; shifts the reading frame from aspartic acid 3934.
Molecular consequence: frameshift variant. On other transcripts: intron variant (9).
Genome position (GRCh38, 1-based): chr4:113,373,390, G deleted; the last of 4 consecutive G bases (chr4:113,373,387-113,373,390); deleting any one gives the same sequence. VCF-style (leftmost placement, unchanged base first): chr4-113373386-AG-A. GRCh37 (hg19) VCF-style: chr4-114294542-AG-A.
Other names: c.5479del, p.Asp1827fs (NM_001386161.1, NM_001354256.2); c.8200del, p.Asp2734fs (NM_001386166.1); c.2038del, p.Asp680fs (NM_001386167.1); c.12034del, p.Asp4012fs (NM_001386174.1); c.12010del, p.Asp4004fs (NM_001386175.1); c.5530del, p.Asp1844fs (NM_001386186.2, NM_001386148.2); c.5410del, p.Asp1804fs (NM_001386187.2); c.5545del, p.Asp1849fs (NM_020977.5); and 50 more; short protein forms D1749fs, D1762fs, D1787fs, D1794fs, D1807fs, D1840fs, D1842fs, D1864fs.
Identifiers: ClinVar variation 1741997 (VCV001741997.2), dbSNP rs2508508199, ClinGen allele CA2580071385.

ClinVar aggregate classification (germline): Uncertain significance (1 of 4 stars; one submission).

Conditions:
Cardiovascular phenotype. Identifiers: MedGen CN230736.

Submission:

Ambry Genetics
Classification: Uncertain significance for Cardiovascular phenotype. Last evaluated: 2022-02-28. Review status: criteria provided, single submitter. Criteria: Ambry Variant Classification Scheme 2023. Collection method: clinical testing. Allele origin: germline.
Comment: The c.11800delG variant, located in coding exon 45 of the ANK2 gene, results from a deletion of one nucleotide at nucleotide position 11800, causing a translational frameshift with a predicted alternate stop codon (p.D3934Mfs*7). This alteration occurs at the 3' terminus of theANK2 gene, is not expected to trigger nonsense-mediated mRNAdecay, and only impacts the last 24 amino acids of the protein. The exact functional effect of this alteration is unknown. Since supporting evidence is limited at this time, the clinical significance of this alteration remains unclear.